The following is an entry in ClinVar:

NM_152564.5(VPS13B):c.9101G>C (p.Gly3034Ala)

Gene: VPS13B (vacuolar protein sorting 13 homolog B; plus strand). Cytogenetic location: 8q22.2.
Variant type: single nucleotide variant.
Coding change: c.9101G>C on transcript NM_152564.5 (MANE Select); coding-DNA position 9101, G replaced by C.
Protein change: p.Gly3034Ala; replaces glycine 3034 with alanine.
Molecular consequence: missense variant.
Genome position (GRCh38, 1-based): chr8:99,821,400, G>C. VCF-style: chr8-99821400-G-C. GRCh37 (hg19) VCF-style: chr8-100833628-G-C.
Other names: c.9176G>C, p.Gly3059Ala (NM_017890.5); short protein forms G3034A, G3059A.
Identifiers: ClinVar variation 3357592 (VCV003357592.1).

ClinVar aggregate classification (germline): Uncertain significance (0 of 4 stars; one submission).

Conditions:
VPS13B-related disorder. Also called: VPS13B-related condition.

Submission:

PreventionGenetics, part of Exact Sciences
Classification: Uncertain significance for VPS13B-related condition. Last evaluated: 2024-03-05. Review status: no assertion criteria provided. Collection method: clinical testing. Allele origin: germline.
Comment: The VPS13B c.9101G>C variant is predicted to result in the amino acid substitution p.Gly3034Ala. To our knowledge, this variant has not been reported in the literature or in a large population database, indicating this variant is rare. At this time, the clinical significance of this variant is uncertain due to the absence of conclusive functional and genetic evidence.